The following is an entry in ClinVar:

ClinVar aggregate classification (germline): Uncertain significance (1 of 4 stars; one submission).

Allele frequency attached by ClinVar (database versions not stated): gnomAD exomes below 0.00001 and 0.00001; gnomAD 0.00001; ExAC 0.00002; TOPMed 0.00002.
gnomAD v4.1: 23 of 1,613,194 alleles (0.0014%); highest among the groups gnomAD compares: Middle Eastern, 0.016%; no homozygotes.

Submission:

Labcorp Genetics (formerly Invitae), Labcorp
Classification: Uncertain significance. Last evaluated: 2025-02-06. Review status: criteria provided, single submitter. Criteria: Invitae Variant Classification Sherloc (09022015). Collection method: clinical testing. Allele origin: germline.
Comment: This sequence change replaces alanine, which is neutral and non-polar, with valine, which is neutral and non-polar, at codon 220 of the RIPK1 protein (p.Ala220Val). This variant is present in population databases (rs759012409, gnomAD 0.002%). This variant has not been reported in the literature in individuals affected with RIPK1-related conditions. ClinVar contains an entry for this variant (Variation ID: 1421751). An algorithm developed to predict the effect of missense changes on protein structure and function outputs the following: PolyPhen-2: "Benign". The valine amino acid residue is found in multiple mammalian species, which suggests that this missense change does not adversely affect protein function. In summary, the available evidence is currently insufficient to determine the role of this variant in disease. Therefore, it has been classified as a Variant of Uncertain Significance.

NM_001354930.2(RIPK1):c.659C>T (p.Ala220Val)

Gene: RIPK1 (receptor interacting serine/threonine kinase 1; plus strand). Cytogenetic location: 6p25.2.
Variant type: single nucleotide variant.
Coding change: c.659C>T on transcript NM_001354930.2 (MANE Select); coding-DNA position 659, C replaced by T.
Protein change: p.Ala220Val; replaces alanine 220 with valine.
Molecular consequence: missense variant.
Genome position (GRCh38, 1-based): chr6:3,083,284, C>T. VCF-style: chr6-3083284-C-T. GRCh37 (hg19) VCF-style: chr6-3083518-C-T.
Other names: c.170C>T, p.Ala57Val (NM_001317061.3, NM_001354932.2, NM_001354933.2 and 1 more transcripts); c.521C>T, p.Ala174Val (NM_001354931.2); c.659C>T, p.Ala220Val (NM_003804.6); short protein forms A220V, A57V, A174V.
Identifiers: ClinVar variation 1421751 (VCV001421751.6), dbSNP rs759012409, ClinGen allele CA3618249.